The following is an entry in ClinVar:

NM_004525.3(LRP2):c.10112C>A (p.Thr3371Asn)

Gene: LRP2 (LDL receptor related protein 2; minus strand). Cytogenetic location: 2q31.1.
Variant type: single nucleotide variant.
Coding change: c.10112C>A on transcript NM_004525.3 (MANE Select); coding-DNA position 10112, C replaced by A.
Protein change: p.Thr3371Asn; replaces threonine 3371 with asparagine.
Molecular consequence: missense variant.
Genome position (GRCh38, 1-based): chr2:169,181,505, G>T on the plus strand (C>A on the coding strand, the complement: LRP2 is on the minus strand). VCF-style: chr2-169181505-G-T. GRCh37 (hg19) VCF-style: chr2-170038015-G-T.
Other names: short protein forms T3371N.
Identifiers: ClinVar variation 1713841 (VCV001713841.5), dbSNP rs1483119123, ClinGen allele CA349150910.
Genomic context (GRCh38, chr2:169,181,505, plus strand): 5'-TACTCTATGTAACCCAGGTGGGCATCTGCCCAGTAGAGTAGATCATTGGTGTAATCAATG[G>T]TGATGCCATTAGGCCACTCTAACTTGGTGGAGATTATCACAGACTTGTTGGTTCCATCCA-3'
Protein context (NP_004516.2, residues 3361-3381): STKLEWPNGI[Thr3371Asn]IDYTNDLLYW

ClinVar aggregate classification (germline): Uncertain significance (1 of 4 stars; one submission).

Allele frequency attached by ClinVar (database versions not stated): gnomAD exomes below 0.00001; TOPMed below 0.00001; gnomAD 0.00001.
gnomAD v4.1: 2 of 1,613,846 alleles (0.00012%); highest among the groups gnomAD compares: Admixed American, 0.0017%; no homozygotes.

Submission:

Labcorp Genetics (formerly Invitae), Labcorp
Classification: Uncertain significance. Last evaluated: 2022-07-26. Review status: criteria provided, single submitter. Criteria: Invitae Variant Classification Sherloc (09022015). Collection method: clinical testing. Allele origin: germline.
Comment: This sequence change replaces threonine, which is neutral and polar, with asparagine, which is neutral and polar, at codon 3371 of the LRP2 protein (p.Thr3371Asn). This variant is not present in population databases (gnomAD no frequency). This variant has not been reported in the literature in individuals affected with LRP2-related conditions. Advanced modeling of protein sequence and biophysical properties (such as structural, functional, and spatial information, amino acid conservation, physicochemical variation, residue mobility, and thermodynamic stability) performed at Invitae indicates that this missense variant is expected to disrupt LRP2 protein function. In summary, the available evidence is currently insufficient to determine the role of this variant in disease. Therefore, it has been classified as a Variant of Uncertain Significance.